The following is an entry in ClinVar:

ClinVar aggregate classification (germline): Benign. Review status: criteria provided, multiple submitters, no conflicts (2 of 4 stars). 2 submissions from 2 submitters: Benign (2). Last evaluated 2018-01-12.

Conditions:
Peroxisome biogenesis disorder 12A (Zellweger). Also called: Peroxisome biogenesis disorder 12A. Identifiers: Orphanet 912, MedGen C3554002, MONDO:0013951, OMIM 614886.

Allele frequency attached by ClinVar (database versions not stated): gnomAD 0.45430 and 0.44938; gnomAD exomes 0.49497; ExAC 0.56415; TOPMed 0.44840; 1000 Genomes Project 0.45228; 1000 Genomes Project 30x 0.45378.
gnomAD v4.1: 223,275 of 455,818 alleles (49%); highest among the groups gnomAD compares: South Asian, 61%; 56,068 homozygotes.

Submissions (2):

Illumina Laboratory Services, Illumina
Classification: Benign for Peroxisome biogenesis disorder 12A (Zellweger). Last evaluated: 2018-01-12. Review status: criteria provided, single submitter. Criteria: ICSL Variant Classification Criteria 13 December 2019. Collection method: clinical testing. Allele origin: germline.
Comment: This variant was observed in the ICSL laboratory as part of a predisposition screen in an ostensibly healthy population. It had not been previously curated by ICSL or reported in the Human Gene Mutation Database (HGMD: prior to June 1st, 2018), and was therefore a candidate for classification through an automated scoring system. Utilizing variant allele frequency, disease prevalence and penetrance estimates, and inheritance mode, an automated score was calculated to assess if this variant is too frequent to cause the disease. Based on the score and internal cut-off values, a variant classified as benign is not then subjected to further curation. The score for this variant resulted in a classification of benign for this disease.

Breakthrough Genomics
Classification: Benign. Review status: criteria provided, single submitter. Criteria: ACMG Guidelines, 2015. Collection method: not provided. Allele origin: germline. Inheritance: Autosomal recessive inheritance. Affected: yes.

NM_002857.4(PEX19):c.*2156C>G

Gene: PEX19 (peroxisomal biogenesis factor 19; minus strand). Cytogenetic location: 1q23.2.
Variant type: single nucleotide variant.
Coding change: c.*2156C>G on transcript NM_002857.4 (MANE Select); 2156 bases downstream of the stop codon, C replaced by G.
Molecular consequence: 3 prime UTR variant. On other transcripts: non-coding transcript variant (2).
Genome position (GRCh38, 1-based): chr1:160,277,395, G>C on the plus strand (C>G on the coding strand, the complement: PEX19 is on the minus strand). VCF-style: chr1-160277395-G-C. GRCh37 (hg19) VCF-style: chr1-160247185-G-C.
Other names: c.*2164C>G (NM_001193644.1).
Identifiers: ClinVar variation 293196 (VCV000293196.6), dbSNP rs10594, ClinGen allele CA1197076.